The following is an entry in ClinVar:

ClinVar aggregate classification (germline): Uncertain significance. Review status: criteria provided, multiple submitters, no conflicts (2 of 4 stars). 2 submissions from 2 submitters: Uncertain significance (2). Last evaluated 2023-08-29.

Conditions:
Neurodevelopmental disorder with dysmorphic facies and distal limb anomalies. Identifiers: Orphanet 686482, MedGen C4540327, MONDO:0060596, OMIM 617755.

Allele frequency attached by ClinVar (database versions not stated): gnomAD exomes below 0.00001.
gnomAD v4.1: 3 of 1,613,032 alleles (0.00019%); highest among the groups gnomAD compares: Non-Finnish European, 0.00025%; no homozygotes.

Submissions (2):

University of Washington Department of Laboratory Medicine, University of Washington
Classification: Uncertain significance for Neurodevelopmental disorder with dysmorphic facies and distal limb anomalies. Last evaluated: 2023-08-29. Review status: criteria provided, single submitter. Criteria: ACMG Guidelines, 2015. Collection method: clinical testing. Allele origin: maternal. Affected: yes.
Comment: The p.Thr2230Met variant in the BPTF gene has not been previously reported in association with disease. This variant was absent from large population databases, including the Genome Aggregation Database and has been submitted to ClinVar (Variation ID: 2007963). The BPTF gene has fewer missense variants in the general population than expected. A low rate of missense variation may suggest that this gene is intolerant to missense variation. Using ACMG guidelines, this variant was classified as a variant of uncertain significance (ACMG evidence codes used: PM2_supporting, PP2).

Labcorp Genetics (formerly Invitae), Labcorp
Classification: Uncertain significance. Last evaluated: 2022-11-15. Review status: criteria provided, single submitter. Criteria: Invitae Variant Classification Sherloc (09022015). Collection method: clinical testing. Allele origin: germline.
Comment: Algorithms developed to predict the effect of sequence changes on RNA splicing suggest that this variant may create or strengthen a splice site. In summary, the available evidence is currently insufficient to determine the role of this variant in disease. Therefore, it has been classified as a Variant of Uncertain Significance. Algorithms developed to predict the effect of missense changes on protein structure and function are either unavailable or do not agree on the potential impact of this missense change (SIFT: "Deleterious"; PolyPhen-2: "Probably Damaging"; Align-GVGD: "Class C0"). This variant has not been reported in the literature in individuals affected with BPTF-related conditions. This variant is not present in population databases (gnomAD no frequency). This sequence change replaces threonine, which is neutral and polar, with methionine, which is neutral and non-polar, at codon 2356 of the BPTF protein (p.Thr2356Met).

NM_182641.4(BPTF):c.6689C>T (p.Thr2230Met)

Gene: BPTF (bromodomain PHD finger transcription factor; plus strand). Cytogenetic location: 17q24.2.
Variant type: single nucleotide variant.
Coding change: c.6689C>T on transcript NM_182641.4 (MANE Select); coding-DNA position 6689, C replaced by T.
Protein change: p.Thr2230Met; replaces threonine 2230 with methionine.
Molecular consequence: missense variant.
Genome position (GRCh38, 1-based): chr17:67,944,361, C>T. VCF-style: chr17-67944361-C-T. GRCh37 (hg19) VCF-style: chr17-65940477-C-T.
Other names: c.7067C>T, p.Thr2356Met (NM_004459.7); c.6689C>T (NM_182641.3); short protein forms T2230M, T2356M.
Identifiers: ClinVar variation 2007963 (VCV002007963.5), dbSNP rs1568136752, ClinGen allele CA400723046.
Genomic context (GRCh38, chr17:67,944,361, plus strand): 5'-TCTTTACCCCATTGGCAACAACAGCCACCACAGCCAGCACCACCACCACCACTGTTTCCA[C>T]GACAGCAGCAGGTAGAGCTGTGGGTTTATCGGAAATGTCGGATGTTACTACTACACGTGG-3'
Protein context (NP_872579.2, residues 2220-2240): TASTTTTTVS[Thr2230Met]TAAGTGEQRQ